The following is an entry in ClinVar:

NM_004333.6(BRAF):c.977T>C (p.Ile326Thr)

Gene: BRAF (B-Raf proto-oncogene, serine/threonine kinase; minus strand). Cytogenetic location: 7q34.
Variant type: single nucleotide variant.
Coding change: c.977T>C on transcript NM_004333.6 (MANE Select); coding-DNA position 977, T replaced by C.
Protein change: p.Ile326Thr; replaces isoleucine 326 with threonine.
Molecular consequence: missense variant.
Genome position (GRCh38, 1-based): chr7:140,800,365, A>G on the plus strand (T>C on the coding strand, the complement: BRAF is on the minus strand). VCF-style: chr7-140800365-A-G. GRCh37 (hg19) VCF-style: chr7-140500165-A-G.
Other names: c.977T>C, p.Ile326Thr (NM_001354609.2, NM_001374244.1, NM_001374258.1 and 4 more transcripts); c.986T>C, p.Ile329Thr (NM_001378467.1); c.875T>C, p.Ile292Thr (NM_001378470.1); c.821T>C, p.Ile274Thr (NM_001378472.1, NM_001378473.1); c.713T>C, p.Ile238Thr (NM_001378475.1); short protein forms I326T, I238T, I274T, I292T, I329T.
Identifiers: ClinVar variation 424419 (VCV000424419.10), dbSNP rs368435578, ClinGen allele CA4516860.

ClinVar aggregate classification (germline): Conflicting classifications of pathogenicity. Review status: criteria provided, conflicting classifications (1 of 4 stars). 5 submissions from 5 submitters: Uncertain significance (2); Likely benign (2). 1 of the submissions does not count toward it. Last evaluated 2026-05-01.

Conditions:
RASopathy. Also called: Noonan spectrum disorder; rasopathies. Identifiers: Orphanet 536391, MedGen C5555857, MONDO:0021060.
Noonan syndrome (NS). Also called: Noonan's syndrome. Identifiers: Orphanet 648, MedGen C0028326, MeSH D009634, MONDO:0018997. Disease mechanism: gain of function.

Allele frequency attached by ClinVar (database versions not stated): gnomAD exomes below 0.00001 and 0.00003; gnomAD 0.00003 and 0.00005; ExAC 0.00004; TOPMed 0.00006 and 0.00010; ESP Exome Variant Server 0.00008.
gnomAD v4.1: 14 of 1,614,006 alleles (0.00087%); highest among the groups gnomAD compares: African/African-American, 0.012%; no homozygotes.

Submissions (5):

Women's Health and Genetics/Laboratory Corporation of America, LabCorp
Classification: Likely benign. Last evaluated: 2026-05-01. Review status: criteria provided, single submitter. Criteria: LabCorp Variant Classification Summary - May 2015. Collection method: clinical testing. Allele origin: germline.
Comment: Variant summary: BRAF c.977T>C (p.Ile326Thr) results in a non-conservative amino acid change in the encoded protein sequence. Algorithms developed to predict the effect of missense changes on protein structure and function are either unavailable or do not agree on the potential impact of this missense change. The variant allele was found at a frequency of 8.7e-06 in 1614006 control chromosomes. The observed variant frequency exceeds the estimated maximal expected allele frequency for disease-causing variants in BRAF. To our knowledge, no occurrence of c.977T>C in individuals affected with BRAF-related conditions and no experimental evidence demonstrating its impact on protein function have been reported. ClinVar contains an entry for this variant (Variation ID: 424419). Based on the evidence outlined above, the variant was classified as likely benign.

Labcorp Genetics (formerly Invitae), Labcorp
Classification: Uncertain significance for RASopathy. Last evaluated: 2025-03-12. Review status: criteria provided, single submitter. Criteria: Invitae Variant Classification Sherloc (09022015). Collection method: clinical testing. Allele origin: germline.
Comment: This sequence change replaces isoleucine, which is neutral and non-polar, with threonine, which is neutral and polar, at codon 326 of the BRAF protein (p.Ile326Thr). This variant is present in population databases (rs368435578, gnomAD 0.02%). This variant has not been reported in the literature in individuals affected with BRAF-related conditions. ClinVar contains an entry for this variant (Variation ID: 424419). Invitae Evidence Modeling of protein sequence and biophysical properties (such as structural, functional, and spatial information, amino acid conservation, physicochemical variation, residue mobility, and thermodynamic stability) indicates that this missense variant is not expected to disrupt BRAF protein function with a negative predictive value of 95%. In summary, the available evidence is currently insufficient to determine the role of this variant in disease. Therefore, it has been classified as a Variant of Uncertain Significance.

Blueprint Genetics
Classification: Likely benign. Last evaluated: 2021-04-20. Review status: criteria provided, single submitter. Criteria: ACMG Guidelines, 2015. Collection method: clinical testing. Allele origin: germline.

GeneDx
Classification: Uncertain significance. Last evaluated: 2017-11-22. Review status: criteria provided, single submitter. Criteria: GeneDx Variant Classification (06012015). Collection method: clinical testing. Allele origin: germline. Affected: yes.
Comment: The I326T variant of uncertain significance in the BRAF gene has not been published as pathogenic in association with cardiomyopathy or been reported as benign to our knowledge. The I326T variant is observed in 4/24034 (0.02%) alleles from individuals of African background in large population cohorts (Lek et al., 2016). The I326T variant is a non-conservative amino acid substitution, which is likely to impact secondary protein structure as these residues differ in polarity, charge, size and/or other properties. However, in-silico analyses, including protein predictors and evolutionary conservation, support that this variant does not alter protein structure/function.

Service de Génétique Moléculaire, Hôpital Robert Debré
Classification: Uncertain significance for Noonan syndrome. Review status: no assertion criteria provided. Collection method: clinical testing. Allele origin: unknown. Affected: yes. Not counted in ClinVar's aggregate classification.